The following is an entry in ClinVar:

ClinVar aggregate classification (germline): Uncertain significance (1 of 4 stars; one submission).

Submission:

Women's Health and Genetics/Laboratory Corporation of America, LabCorp
Classification: Uncertain significance. Last evaluated: 2024-07-11. Review status: criteria provided, single submitter. Criteria: LabCorp Variant Classification Summary - May 2015. Collection method: clinical testing. Allele origin: germline.
Comment: Variant summary: ADCY5 c.1013C>G (p.Thr338Ser) results in a conservative amino acid change located in the Adenylate cyclase, N-terminal (IPR032628) of the encoded protein sequence. Five of five in-silico tools predict a benign effect of the variant on protein function. The variant was absent in 243426 control chromosomes. The available data on variant occurrences in the general population are insufficient to allow any conclusion about variant significance. To our knowledge, no occurrence of c.1013C>G in individuals affected with Familial Dyskinesia With Facial Myokymia and no experimental evidence demonstrating its impact on protein function have been reported. No submitters have cited clinical-significance assessments for this variant to ClinVar. Based on the evidence outlined above, the variant was classified as uncertain significance.

NM_183357.3(ADCY5):c.1013C>G (p.Thr338Ser)

Gene: ADCY5 (adenylate cyclase 5; minus strand). Cytogenetic location: 3q21.1.
Variant type: single nucleotide variant.
Coding change: c.1013C>G on transcript NM_183357.3 (MANE Select); coding-DNA position 1013, C replaced by G.
Protein change: p.Thr338Ser; replaces threonine 338 with serine.
Molecular consequence: missense variant.
Genome position (GRCh38, 1-based): chr3:123,447,533, G>C on the plus strand (C>G on the coding strand, the complement: ADCY5 is on the minus strand). VCF-style: chr3-123447533-G-C. GRCh37 (hg19) VCF-style: chr3-123166380-G-C.
Other names: c.1013C>G, p.Thr338Ser (NM_001378259.1); short protein forms T338S.
Identifiers: ClinVar variation 3338935 (VCV003338935.1).